The following is an entry in ClinVar:

ClinVar aggregate classification (germline): Uncertain significance (1 of 4 stars; one submission).

gnomAD v4.1: 1 of 1,613,886 alleles (0.000062%); highest among the groups gnomAD compares: Non-Finnish European, 0.000085%; no homozygotes.

Submission:

CeGaT Center for Human Genetics Tuebingen
Classification: Uncertain significance. Last evaluated: 2024-07-01. Review status: criteria provided, single submitter. Criteria: CeGaT Center For Human Genetics Tuebingen Variant Classification Criteria Version 2. Collection method: clinical testing. Allele origin: germline. Affected: yes. Observed: 2 variant alleles.
Comment: MSH6: PM2, PM5, BP1

NM_000179.3(MSH6):c.1345C>G (p.Leu449Val)

Gene: MSH6 (mutS homolog 6; plus strand). Cytogenetic location: 2p16.3.
Variant type: single nucleotide variant.
Coding change: c.1345C>G on transcript NM_000179.3 (MANE Select); coding-DNA position 1345, C replaced by G.
Protein change: p.Leu449Val; replaces leucine 449 with valine.
Molecular consequence: missense variant. On other transcripts: non-coding transcript variant (4), intron variant (1).
Genome position (GRCh38, 1-based): chr2:47,799,328, C>G. VCF-style: chr2-47799328-C-G. GRCh37 (hg19) VCF-style: chr2-48026467-C-G.
Other names: c.439C>G, p.Leu147Val (NM_001406823.1, NM_001406829.1, NM_001281493.2 and 6 more transcripts); c.1048C>G, p.Leu350Val (NM_001406824.1, NM_001406825.1, NM_001406827.1 and 10 more transcripts); c.1177C>G, p.Leu393Val (NM_001406826.1); c.628-1338C>G (NM_001407362.1); c.955C>G, p.Leu319Val (NM_001281492.2); c.820C>G, p.Leu274Val (NM_001406807.1, NM_001406799.1, NM_001406806.1); c.1345C>G, p.Leu449Val (NM_001406808.1, NM_001406809.1, NM_001406817.1 and 4 more transcripts); c.1351C>G, p.Leu451Val (NM_001406813.1); and 2 more; short protein forms L147V, L274V, L319V, L350V, L393V, L423V, L449V, L451V.
Identifiers: ClinVar variation 3257022 (VCV003257022.17).